The following is an entry in ClinVar:

ClinVar aggregate classification (germline): Uncertain significance. Review status: criteria provided, multiple submitters, no conflicts (2 of 4 stars). 9 submissions from 9 submitters: Uncertain significance (6). 3 of the submissions do not count toward it. Last evaluated 2025-07-22.

Conditions:
Hereditary cancer-predisposing syndrome. Also called: Hereditary Cancer Syndrome; Hereditary neoplastic syndrome; Tumor predisposition; Neoplastic Syndromes, Hereditary. Identifiers: Orphanet 140162, MedGen C0027672, MeSH D009386, MONDO:0015356.
Bloom syndrome (BLM). Also called: Bloom-Torre-Machacek syndrome. Identifiers: Orphanet 125, MedGen C0005859, MONDO:0008876, OMIM 210900.
Microcephaly. Also called: Microcephaly (disease). Identifiers: MedGen C4551563, MONDO:0001149, HP:0000252.

Allele frequency attached by ClinVar (database versions not stated): TOPMed 0.00002; gnomAD 0.00006.
gnomAD v4.1: 111 of 1,614,084 alleles (0.0069%); highest among the groups gnomAD compares: East Asian, 0.033%; no homozygotes.

Submissions (9):

Quest Diagnostics Nichols Institute San Juan Capistrano
Classification: Uncertain significance. Last evaluated: 2025-07-22. Review status: criteria provided, single submitter. Criteria: Quest Diagnostics criteria. Collection method: clinical testing. Allele origin: unknown.
Comment: The BLM c.715G>A (p.Asp239Asn) variant has been reported in the published literature in an individual reportedly unaffected with cancer (PMID: 24728327 (2014)). The frequency of this variant in the general population (Genome Aggregation Database) is uninformative in the assessment of its pathogenicity. Analysis of this variant using bioinformatics tools for the prediction of the effect of amino acid changes on protein structure and function yielded conflicting predictions that this variant is benign or damaging. Based on the available information, we are unable to determine the clinical significance of this variant.

Labcorp Genetics (formerly Invitae), Labcorp
Classification: Uncertain significance for Bloom syndrome. Last evaluated: 2025-01-13. Review status: criteria provided, single submitter. Criteria: Invitae Variant Classification Sherloc (09022015). Collection method: clinical testing. Allele origin: germline.
Comment: This sequence change replaces aspartic acid, which is acidic and polar, with asparagine, which is neutral and polar, at codon 239 of the BLM protein (p.Asp239Asn). This variant is present in population databases (rs200756519, gnomAD 0.04%). This variant has not been reported in the literature in individuals affected with BLM-related conditions. ClinVar contains an entry for this variant (Variation ID: 127515). An algorithm developed to predict the effect of missense changes on protein structure and function (PolyPhen-2) suggests that this variant is likely to be disruptive. In summary, the available evidence is currently insufficient to determine the role of this variant in disease. Therefore, it has been classified as a Variant of Uncertain Significance.

Fulgent Genetics
Classification: Uncertain significance for Bloom syndrome. Last evaluated: 2024-01-18. Review status: criteria provided, single submitter. Criteria: ACMG Guidelines, 2015. Collection method: clinical testing. Allele origin: germline.

Ambry Genetics
Classification: Uncertain significance for Hereditary cancer-predisposing syndrome. Last evaluated: 2023-01-10. Review status: criteria provided, single submitter. Criteria: Ambry Variant Classification Scheme 2023. Collection method: clinical testing. Allele origin: germline.
Comment: The p.D239N variant (also known as c.715G>A), located in coding exon 2 of the BLM gene, results from a G to A substitution at nucleotide position 715. The aspartic acid at codon 239 is replaced by asparagine, an amino acid with highly similar properties. This variant was identified in a cohort of 681 ancestrally diverse, healthy subjects (Bodian DL et al. PLoS ONE. 2014 Apr;9:e94554). This amino acid position is well conserved in available vertebrate species. In addition, this alteration is predicted to be tolerated by in silico analysis. Since supporting evidence is limited at this time, the clinical significance of this alteration remains unclear.

St. Jude Molecular Pathology, St. Jude Children's Research Hospital
Classification: Uncertain significance for Bloom syndrome. Last evaluated: 2022-09-02. Review status: criteria provided, single submitter. Criteria: St. Jude Assertion Criteria 2020. Collection method: clinical testing. Allele origin: germline.
Comment: The BLM c.715G>A (p.Asp239Asn) missense change has a maximum subpopulation frequency of 0.040% in gnomAD v2.1.1. The in silico tool REVEL predicts a benign effect on protein function, and to our knowledge functional studies have not been performed. This variant has been observed in individuals with acute myeloid leukemia, colorectal cancer, pancreatic cancer, glioblastoma and medulloblastoma (PMID: 28944238, 29338072, 29467491, 29487696, 30840646, 31676785, 31747416). To our knowledge, this variant has not been reported in individuals with Bloom syndrome. In summary, the evidence currently available is insufficient to determine the clinical significance of this variant. It has therefore been classified as of uncertain significance.

GeneDx
Classification: Uncertain significance. Last evaluated: 2014-01-22. Review status: criteria provided, single submitter. Criteria: GeneDx Variant Classification (06012015). Collection method: clinical testing. Allele origin: germline. Affected: yes.
Comment: Single pathogenic variants in BLM have only recently been described in association with cancer predisposition and the risks are not well understood. This variant is denoted BLM c.715G>A at the cDNA level, p.Asp239Asn (D239N) at the protein level, and results in the change of an Aspartic Acid to an Asparagine (GAT>AAT). This variant has not, to our knowledge, been published in the literature as pathogenic or benign. BLM Asp239Asn was not observed in approximately 6,500 individuals of European and African American ancestry in the NHLBI Exome Sequencing Project, indicating it is not a common benign variant in these populations. This variant is a semi-conservative substitution in which a negative polar amino acid is replaced with a neutral polar one, altering a position that is moderately conserved throughout evolution and is not located in a known functional domain. In silico analyses are inconsistent with regard to the effect this variant may have on protein structure and function. Based on the currently available information, we consider BLM Asp239Asn to be a variant of uncertain significance. Furthermore, based on the currently available information, cancer risks associated with this variant, and with single variants the BLM gene in general, remain unclear.

Counsyl
Classification: Uncertain significance for Bloom syndrome. Last evaluated: 2017-12-28. Review status: no assertion criteria provided. Collection method: clinical testing. Allele origin: unknown. Not counted in ClinVar's aggregate classification.

ITMI
No classification provided. Condition: AllHighlyPenetrant. Last evaluated: 2013-09-19. Review status: no classification provided. Collection method: reference population. Allele origin: germline. Not counted in ClinVar's aggregate classification.
Comment: Please see associated publication for description of ethnicities

Department of Pediatrics, Samsung Medical Center, Samsung Medical Center
Classification: Uncertain significance for Microcephaly. Review status: no assertion criteria provided. Criteria: ACMG Guidelines, 2015. Collection method: research. Allele origin: germline. Affected: yes. Not counted in ClinVar's aggregate classification.

Literature cited by the submitters: PubMed 24728327 (cited by 3 submitters).

NM_000057.4(BLM):c.715G>A (p.Asp239Asn)

Gene: BLM (BLM RecQ like helicase; plus strand). Cytogenetic location: 15q26.1.
Variant type: single nucleotide variant.
Coding change: c.715G>A on transcript NM_000057.4 (MANE Select); coding-DNA position 715, G replaced by A.
Protein change: p.Asp239Asn; replaces aspartic acid 239 with asparagine.
Molecular consequence: missense variant. On other transcripts: 5 prime UTR variant (1).
Genome position (GRCh38, 1-based): chr15:90,749,983, G>A. VCF-style: chr15-90749983-G-A. GRCh37 (hg19) VCF-style: chr15-91293213-G-A.
Other names: p.D239N:GAT>AAT; c.715G>A, p.Asp239Asn (NM_001287246.2, NM_001287247.2); c.-577G>A (NM_001287248.2); c.715G>A (LRG_20t1); short protein forms D239N.
Identifiers: ClinVar variation 127515 (VCV000127515.17), dbSNP rs200756519, ClinGen allele CA157424.